The following is an entry in ClinVar:

ClinVar aggregate classification (germline): Likely pathogenic (0 of 4 stars; one submission).

Conditions:
Cohen syndrome (COH1). Also called: PEPPER SYNDROME; Cutis verticis gyrata, retinitis pigmentosa, and sensorineural deafness. Identifiers: Orphanet 193, MedGen C0265223, MONDO:0008999, OMIM 216550.

Submission:

Juha Muilu Group; Institute for Molecular Medicine Finland (FIMM)
Classification: Likely pathogenic for Cohen syndrome. Review status: no assertion criteria provided. Collection method: not provided. Allele origin: unknown.
Comment: FinDis database variant: This variant was not found or characterized by our laboratory, data were collected from public sources: see reference
ClinVar note: Converted during submission from probable-pathogenic to Likely pathogenic.

NM_152564.5(VPS13B):c.8536del (p.Thr2846fs)

Gene: VPS13B (vacuolar protein sorting 13 homolog B; plus strand). Cytogenetic location: 8q22.2.
Variant type: Deletion.
Coding change: c.8536del on transcript NM_152564.5 (MANE Select); coding-DNA position 8536, one base deleted (A; older notation c.8536delA).
Protein change: p.Thr2846fs; shifts the reading frame from threonine 2846.
Molecular consequence: frameshift variant.
Genome position (GRCh38, 1-based): chr8:99,818,803, A deleted; the last of 3 consecutive A bases (chr8:99,818,801-99,818,803); deleting any one gives the same sequence. VCF-style (leftmost placement, unchanged base first): chr8-99818800-GA-G. GRCh37 (hg19) VCF-style: chr8-100831028-GA-G.
Other names: c.8611delA (NM_017890.4); c.8611del, p.Thr2871fs (NM_017890.5); short protein forms T2846fs, T2871fs.
Identifiers: ClinVar variation 56695 (VCV000056695.2), dbSNP rs386834114, ClinGen allele CA264148.